The following is an entry in ClinVar:

ClinVar aggregate classification (germline): Uncertain significance (1 of 4 stars; one submission).

Submission:

GeneDx
Classification: Uncertain significance. Last evaluated: 2025-01-27. Review status: criteria provided, single submitter. Criteria: GeneDx Variant Classification Process June 2021. Collection method: clinical testing. Allele origin: germline. Affected: yes.
Comment: Not observed at significant frequency in large population cohorts (gnomAD); In silico analysis supports that this missense variant has a deleterious effect on protein structure/function; Has not been previously published as pathogenic or benign to our knowledge

NM_006618.5(KDM5B):c.1439G>A (p.Cys480Tyr)

Gene: KDM5B (lysine demethylase 5B; minus strand). Cytogenetic location: 1q32.1.
Variant type: single nucleotide variant.
Coding change: c.1439G>A on transcript NM_006618.5 (MANE Select); coding-DNA position 1439, G replaced by A.
Protein change: p.Cys480Tyr; replaces cysteine 480 with tyrosine.
Molecular consequence: missense variant.
Genome position (GRCh38, 1-based): chr1:202,755,370, C>T on the plus strand (G>A on the coding strand, the complement: KDM5B is on the minus strand). VCF-style: chr1-202755370-C-T. GRCh37 (hg19) VCF-style: chr1-202724498-C-T.
Other names: c.1547G>A, p.Cys516Tyr (NM_001314042.2); c.1304G>A, p.Cys435Tyr (NM_001347591.2); c.1424G>A, p.Cys475Tyr (NM_001399817.1); short protein forms C435Y, C475Y, C480Y, C516Y.
Identifiers: ClinVar variation 2575726 (VCV002575726.2), dbSNP rs1558494349, ClinGen allele CA344270642.